The following is an entry in ClinVar:

ClinVar aggregate classification (germline): Pathogenic (1 of 4 stars; one submission).

Conditions:
Intellectual disability, X-linked 102 (MRXSSB). Also called: Intellectual developmental disorder, X-linked syndromic, Snijders Blok type. Identifiers: Orphanet 457260, MedGen C5393299, MONDO:0010497, OMIM 300958.

Submission:

Institute of Human Genetics, University of Leipzig Medical Center
Classification: Pathogenic for Intellectual disability, X-linked 102. Last evaluated: 2021-08-12. Review status: criteria provided, single submitter. Criteria: ACMG Guidelines, 2015. Collection method: clinical testing. Allele origin: de novo. Affected: yes.
Comment: This variant was identified as de novo (maternity and paternity confirmed).

NM_001356.5(DDX3X):c.1443dup (p.Glu482fs)

Gene: DDX3X (DEAD-box helicase 3 X-linked; plus strand). Cytogenetic location: Xp11.4.
Variant type: Duplication.
Coding change: c.1443dup on transcript NM_001356.5 (MANE Select); coding-DNA position 1443, one base duplicated (A; older notation c.1443dupA).
Protein change: p.Glu482fs; shifts the reading frame from glutamic acid 482.
Molecular consequence: frameshift variant. On other transcripts: non-coding transcript variant (1).
Genome position (GRCh38, 1-based): chrX:41,346,356, A duplicated; the last of 2 consecutive A bases (chrX:41,346,355-41,346,356); duplicating either gives the same sequence. VCF-style (leftmost placement, unchanged base first): chrX-41346354-G-GA. GRCh37 (hg19) VCF-style: chrX-41205607-G-GA.
Other names: c.1443dup, p.Glu482fs (NM_001193416.3); c.1395dup, p.Glu466fs (NM_001193417.3); c.885dup, p.Glu296fs (NM_001363819.1); short protein forms E296fs, E466fs, E482fs.
Identifiers: ClinVar variation 1285558 (VCV001285558.2), dbSNP rs2147358635, ClinGen allele CA2499226721.